The following is an entry in ClinVar:

NM_014889.4(PITRM1):c.2223C>T (p.Ser741=)

Genes: PITRM1 (pitrilysin metallopeptidase 1; minus strand), PITRM1-AS1 (PITRM1 antisense RNA 1; plus strand). Cytogenetic location: 10p15.2.
Variant type: single nucleotide variant.
Coding change: c.2223C>T on transcript NM_014889.4 (MANE Select); coding-DNA position 2223, C replaced by T.
Protein change: p.Ser741=; no amino-acid change (serine 741 retained).
Molecular consequence: synonymous variant. On other transcripts: non-coding transcript variant (5).
Genome position (GRCh38, 1-based): chr10:3,147,584, G>A on the plus strand (C>T on the coding strand, the complement: PITRM1 is on the minus strand). VCF-style: chr10-3147584-G-A. GRCh37 (hg19) VCF-style: chr10-3189776-G-A.
Other names: c.2226C>T (NM_001242307.1); c.1929C>T, p.Ser643= (NM_001242309.1); c.2226C>T, p.Ser742= (NM_001242307.2); c.2025C>T, p.Ser675= (NM_001347725.2); c.1410C>T, p.Ser470= (NM_001347726.2); c.1608C>T, p.Ser536= (NM_001347727.2); c.918C>T, p.Ser306= (NM_001347728.2); c.2199C>T, p.Ser733= (NM_001347729.1); and 1 more.
Identifiers: ClinVar variation 715910 (VCV000715910.36), dbSNP rs191395257, ClinGen allele CA5387499.
Genomic context (GRCh38, chr10:3,147,584, plus strand): 5'-AATATGTGGCTAAACCGGAGTAATAGAGGTTCCTTCCAAGCTTCCCACCTGATCCATCCC[G>A]CTGAAGGTCTCCTGCAGGTCCCCTGCGGGCGTGAGGGTCCGGCCTGCCCTGATGGATGCG-3'
Protein context (NP_055704.2, residues 731-751): TPAGDLQETF[Ser741=]GMDQVRLMKR

ClinVar aggregate classification (germline): Likely benign. Review status: criteria provided, multiple submitters, no conflicts (2 of 4 stars). 5 submissions from 5 submitters: Likely benign (4). 1 of the submissions does not count toward it. Last evaluated 2026-04-01.

Conditions:
PITRM1-related disorder. Also called: PITRM1-related condition.

Allele frequency attached by ClinVar (database versions not stated): 1000 Genomes Project 30x 0.00016; 1000 Genomes Project 0.00020; ExAC 0.00089; gnomAD exomes 0.00100; gnomAD 0.00106; TOPMed 0.00127; ESP Exome Variant Server 0.00139.
gnomAD v4.1: 3,138 of 1,613,974 alleles (0.19%); highest among the groups gnomAD compares: Non-Finnish European, 0.25%; 4 homozygotes.

Submissions (5):

CeGaT Center for Human Genetics Tuebingen
Classification: Likely benign. Last evaluated: 2026-04-01. Review status: criteria provided, single submitter. Criteria: CeGaT Center For Human Genetics Tuebingen Variant Classification Criteria Version 2. Collection method: clinical testing. Allele origin: germline. Affected: yes. Observed: 7 variant alleles.
Comment: PITRM1: BP4, BP7

Labcorp Genetics (formerly Invitae), Labcorp
Classification: Likely benign. Last evaluated: 2026-01-26. Review status: criteria provided, single submitter. Criteria: Invitae Variant Classification Sherloc (09022015). Collection method: clinical testing. Allele origin: germline.

Blueprint Genetics
Classification: Likely benign. Last evaluated: 2024-11-27. Review status: criteria provided, single submitter. Criteria: ACMG Guidelines, 2015. Collection method: clinical testing. Allele origin: germline.

Breakthrough Genomics
Classification: Likely benign. Review status: criteria provided, single submitter. Criteria: ACMG Guidelines, 2015. Collection method: not provided. Allele origin: germline. Inheritance: Autosomal recessive inheritance. Affected: yes.

PreventionGenetics, part of Exact Sciences
Classification: Likely benign for PITRM1-related condition. Last evaluated: 2019-12-23. Review status: no assertion criteria provided. Collection method: clinical testing. Allele origin: germline. Not counted in ClinVar's aggregate classification.
Comment: This variant is classified as likely benign based on ACMG/AMP sequence variant interpretation guidelines (Richards et al. 2015 PMID: 25741868, with internal and published modifications).